The following is an entry in ClinVar:

NM_001690.4(ATP6V1A):c.458A>G (p.Tyr153Cys)

Gene: ATP6V1A (ATPase H+ transporting V1 subunit A; plus strand). Cytogenetic location: 3q13.31.
Variant type: single nucleotide variant.
Coding change: c.458A>G on transcript NM_001690.4 (MANE Select); coding-DNA position 458, A replaced by G.
Protein change: p.Tyr153Cys; replaces tyrosine 153 with cysteine.
Molecular consequence: missense variant.
Genome position (GRCh38, 1-based): chr3:113,784,727, A>G. VCF-style: chr3-113784727-A-G. GRCh37 (hg19) VCF-style: chr3-113503574-A-G.
Other names: short protein forms Y153C.
Identifiers: ClinVar variation 3026166 (VCV003026166.22), dbSNP rs1709019238, ClinGen allele CA354009288.

ClinVar aggregate classification (germline): Uncertain significance (1 of 4 stars; one submission).

Allele frequency attached by ClinVar (database versions not stated): gnomAD exomes below 0.00001.
gnomAD v4.1: 1 of 1,614,118 alleles (0.000062%); highest among the groups gnomAD compares: African/African-American, 0.0013%; no homozygotes.

Submission:

CeGaT Center for Human Genetics Tuebingen
Classification: Uncertain significance. Last evaluated: 2024-02-01. Review status: criteria provided, single submitter. Criteria: CeGaT Center For Human Genetics Tuebingen Variant Classification Criteria Version 2. Collection method: clinical testing. Allele origin: germline. Affected: yes. Observed: 1 variant allele.
Comment: ATP6V1A: PM2, PP3